The following is an entry in ClinVar:

NM_000506.5(F2):c.480C>T (p.Pro160=)

Gene: F2 (coagulation factor II, thrombin; plus strand). Cytogenetic location: 11p11.2.
Variant type: single nucleotide variant.
Coding change: c.480C>T on transcript NM_000506.5 (MANE Select); coding-DNA position 480, C replaced by T.
Protein change: p.Pro160=; no amino-acid change (proline 160 retained).
Molecular consequence: synonymous variant.
Genome position (GRCh38, 1-based): chr11:46,723,439, C>T. VCF-style: chr11-46723439-C-T. GRCh37 (hg19) VCF-style: chr11-46744989-C-T.
Other names: p.Pro160=.
Identifiers: ClinVar variation 256316 (VCV000256316.12), dbSNP rs3136452, ClinGen allele CA5966961.

ClinVar aggregate classification (germline): Benign/Likely benign. Review status: criteria provided, multiple submitters, no conflicts (2 of 4 stars). 7 submissions from 6 submitters: Benign (5); Likely benign (2). Last evaluated 2026-02-03.

Conditions:
Congenital prothrombin deficiency. Also called: Hereditary factor II deficiency disease; Inherited hypoprothrombinemia; Congenital factor II deficiency; Inherited prothrombin deficiency; Factor II deficiency; HYPOPROTHROMBINEMIA. Identifiers: Orphanet 325, MedGen C0272317, MONDO:0013361, OMIM 613679.
Thrombophilia due to thrombin defect (THPH1). Also called: Thrombosis susceptibility; THROMBOPHILIA DUE TO FACTOR 2 DEFECT; Prothrombin-Related Thrombophilia (Factor II); Prothrombin Thrombophilia. Identifiers: MedGen C3160733, MONDO:0008559, OMIM 188050. Disease mechanism: gain of function, loss of function.

Allele frequency attached by ClinVar (database versions not stated): gnomAD 0.04324 and 0.04043; ESP Exome Variant Server 0.04677; 1000 Genomes Project 30x 0.05512; TOPMed 0.04725; 1000 Genomes Project 0.05112; ExAC 0.01328.
gnomAD v4.1: 12,250 of 1,614,054 alleles (0.76%); highest among the groups gnomAD compares: African/African-American, 14%; 786 homozygotes.

Submissions (7):

Labcorp Genetics (formerly Invitae), Labcorp
Classification: Benign for Congenital prothrombin deficiency. Last evaluated: 2026-02-03. Review status: criteria provided, single submitter. Criteria: Invitae Variant Classification Sherloc (09022015). Collection method: clinical testing. Allele origin: germline.

Mayo Clinic Laboratories, Mayo Clinic
Classification: Benign. Last evaluated: 2024-01-05. Review status: criteria provided, single submitter. Criteria: ACMG Guidelines, 2015. Collection method: clinical testing. Allele origin: germline. Observed: 7 variant alleles.

GeneDx
Classification: Benign. Last evaluated: 2021-05-05. Review status: criteria provided, single submitter. Criteria: GeneDx Variant Classification Process June 2021. Collection method: clinical testing. Allele origin: germline. Affected: yes.

Illumina Laboratory Services, Illumina
Classification: Likely benign for Thrombophilia due to thrombin defect. Last evaluated: 2018-01-13. Review status: criteria provided, single submitter. Criteria: ICSL Variant Classification Criteria 13 December 2019. Collection method: clinical testing. Allele origin: germline.
Comment: This variant was observed in the ICSL laboratory as part of a predisposition screen in an ostensibly healthy population. It had not been previously curated by ICSL or reported in the Human Gene Mutation Database (HGMD: prior to June 1st, 2018), and was therefore a candidate for classification through an automated scoring system. Utilizing variant allele frequency, disease prevalence and penetrance estimates, and inheritance mode, an automated score was calculated to assess if this variant is too frequent to cause the disease. Based on the score and internal cut-off values, a variant classified as likely benign is not then subjected to further curation. The score for this variant resulted in a classification of likely benign for this disease.

Illumina Laboratory Services, Illumina
Classification: Benign for Congenital prothrombin deficiency. Last evaluated: 2018-01-13. Review status: criteria provided, single submitter. Criteria: ICSL Variant Classification Criteria 13 December 2019. Collection method: clinical testing. Allele origin: germline.
Comment: This variant was observed in the ICSL laboratory as part of a predisposition screen in an ostensibly healthy population. It had not been previously curated by ICSL or reported in the Human Gene Mutation Database (HGMD: prior to June 1st, 2018), and was therefore a candidate for classification through an automated scoring system. Utilizing variant allele frequency, disease prevalence and penetrance estimates, and inheritance mode, an automated score was calculated to assess if this variant is too frequent to cause the disease. Based on the score and internal cut-off values, a variant classified as benign is not then subjected to further curation. The score for this variant resulted in a classification of benign for this disease.

Breakthrough Genomics
Classification: Likely benign. Review status: criteria provided, single submitter. Criteria: ACMG Guidelines, 2015. Collection method: not provided. Allele origin: germline. Inheritance: Autosomal recessive inheritance. Affected: yes.

PreventionGenetics, part of Exact Sciences
Classification: Benign. Review status: criteria provided, single submitter. Criteria: ACMG Guidelines, 2015. Collection method: clinical testing. Allele origin: germline.